The following is an entry in ClinVar:

ClinVar aggregate classification (germline): Likely benign. Review status: criteria provided, multiple submitters, no conflicts (2 of 4 stars). 2 submissions from 2 submitters: Likely benign (2). Last evaluated 2026-06-01.

Allele frequency attached by ClinVar (database versions not stated): 1000 Genomes Project 30x 0.00047; 1000 Genomes Project 0.00060; TOPMed 0.00239; gnomAD 0.00257; ExAC 0.00299; gnomAD exomes 0.00338; ESP Exome Variant Server 0.00351.
gnomAD v4.1: 5,280 of 1,610,636 alleles (0.33%); highest among the groups gnomAD compares: Non-Finnish European, 0.4%; 15 homozygotes.

Submissions (2):

CeGaT Center for Human Genetics Tuebingen
Classification: Likely benign. Last evaluated: 2026-06-01. Review status: criteria provided, single submitter. Criteria: CeGaT Center For Human Genetics Tuebingen Variant Classification Criteria Version 2. Collection method: clinical testing. Allele origin: germline. Affected: yes. Observed: 4 variant alleles.
Comment: LCP2: BS2

Women's Health and Genetics/Laboratory Corporation of America, LabCorp
Classification: Likely benign. Last evaluated: 2026-01-23. Review status: criteria provided, single submitter. Criteria: LabCorp Variant Classification Summary - May 2015. Collection method: clinical testing. Allele origin: germline.

NM_005565.5(LCP2):c.1564T>C (p.Tyr522His)

Genes: C5orf58 (chromosome 5 open reading frame 58; plus strand), LCP2 (lymphocyte cytosolic protein 2; minus strand). Cytogenetic location: 5q35.1.
Variant type: single nucleotide variant.
Coding change: c.1564T>C on transcript NM_005565.5 (MANE Select); coding-DNA position 1564, T replaced by C.
Protein change: p.Tyr522His; replaces tyrosine 522 with histidine.
Molecular consequence: missense variant.
Genome position (GRCh38, 1-based): chr5:170,248,735, A>G on the plus strand (T>C on the coding strand, the complement: LCP2 is on the minus strand). VCF-style: chr5-170248735-A-G. GRCh37 (hg19) VCF-style: chr5-169675739-A-G.
Other names: short protein forms Y522H.
Identifiers: ClinVar variation 2656066 (VCV002656066.25), dbSNP rs187889192, ClinGen allele CA3555290.